The following is an entry in ClinVar:

NM_003002.4(SDHD):c.386T>G (p.Leu129Trp)

Gene: SDHD (succinate dehydrogenase complex subunit D; plus strand). Cytogenetic location: 11q23.1.
Variant type: single nucleotide variant.
Coding change: c.386T>G on transcript NM_003002.4 (MANE Select); coding-DNA position 386, T replaced by G.
Protein change: p.Leu129Trp; replaces leucine 129 with tryptophan.
Molecular consequence: missense variant. On other transcripts: 3 prime UTR variant (1), non-coding transcript variant (1).
Genome position (GRCh38, 1-based): chr11:112,094,876, T>G. VCF-style: chr11-112094876-T-G. GRCh37 (hg19) VCF-style: chr11-111965600-T-G.
Other names: c.241T>G, p.Trp81Gly (NM_001276503.2); c.269T>G, p.Leu90Trp (NM_001276504.2); c.*84T>G (NM_001276506.2); short protein forms L129W, L90W, W81G.
Identifiers: ClinVar variation 1001435 (VCV001001435.10), dbSNP rs201726097, ClinGen allele CA382619134.

ClinVar aggregate classification (germline): Uncertain significance (1 of 4 stars; one submission).

Conditions:
Carney-Stratakis syndrome. Also called: PARAGANGLIOMA AND GASTROINTESTINAL STROMAL TUMOR. Identifiers: Orphanet 97286, MedGen C1847319, MONDO:0011740, OMIM 606864.
Paragangliomas with sensorineural hearing loss. Identifiers: MedGen C1868633.
Cowden syndrome 3 (CWS3). Identifiers: Orphanet 201, MedGen CN166604, MONDO:0014045.
Pheochromocytoma. Also called: MAX-Related Hereditary Paraganglioma-Pheochromocytoma Syndrome. Identifiers: Orphanet 29072, MedGen C0031511, MONDO:0008233, OMIM 171300, HP:0002666.

Submission:

Labcorp Genetics (formerly Invitae), Labcorp
Classification: Uncertain significance for Carney-Stratakis syndrome; Paragangliomas with sensorineural hearing loss; Pheochromocytoma; Cowden syndrome 3. Last evaluated: 2022-05-03. Review status: criteria provided, single submitter. Criteria: Invitae Variant Classification Sherloc (09022015). Collection method: clinical testing. Allele origin: germline.
Comment: This sequence change replaces leucine, which is neutral and non-polar, with tryptophan, which is neutral and slightly polar, at codon 129 of the SDHD protein (p.Leu129Trp). This variant is not present in population databases (gnomAD no frequency). In summary, the available evidence is currently insufficient to determine the role of this variant in disease. Therefore, it has been classified as a Variant of Uncertain Significance. Advanced modeling of protein sequence and biophysical properties (such as structural, functional, and spatial information, amino acid conservation, physicochemical variation, residue mobility, and thermodynamic stability) performed at Invitae indicates that this missense variant is not expected to disrupt SDHD protein function. ClinVar contains an entry for this variant (Variation ID: 1001435). This variant has not been reported in the literature in individuals affected with SDHD-related conditions.